The following is an entry in ClinVar:

ClinVar aggregate classification (germline): Likely benign (0 of 4 stars; one submission).

Conditions:
UNC13A-related disorder. Also called: UNC13A-related condition.

Submission:

PreventionGenetics, part of Exact Sciences
Classification: Likely benign for UNC13A-related condition. Last evaluated: 2023-03-10. Review status: no assertion criteria provided. Collection method: clinical testing. Allele origin: germline.
Comment: This variant is classified as likely benign based on ACMG/AMP sequence variant interpretation guidelines (Richards et al. 2015 PMID: 25741868, with internal and published modifications).

NM_001080421.3(UNC13A):c.1275C>T (p.Asp425=)

Gene: UNC13A (unc-13 homolog A; minus strand). Cytogenetic location: 19p13.11.
Variant type: single nucleotide variant.
Coding change: c.1275C>T on transcript NM_001080421.3 (MANE Select); coding-DNA position 1275, C replaced by T.
Protein change: p.Asp425=; no amino-acid change (aspartic acid 425 retained).
Molecular consequence: synonymous variant.
Genome position (GRCh38, 1-based): chr19:17,655,891, G>A on the plus strand (C>T on the coding strand, the complement: UNC13A is on the minus strand). VCF-style: chr19-17655891-G-A. GRCh37 (hg19) VCF-style: chr19-17766700-G-A.
Other names: c.1275C>T, p.Asp425= (NM_001387021.1, NM_001387022.1, NM_001387023.1).
Identifiers: ClinVar variation 3036412 (VCV003036412.2), dbSNP rs756111373, ClinGen allele CA506102737.